The following is an entry in ClinVar:

ClinVar aggregate classification (germline): Uncertain significance (1 of 4 stars; one submission).

Conditions:
RASopathy. Also called: rasopathies; Noonan spectrum disorder. Identifiers: Orphanet 536391, MedGen C5555857, MONDO:0021060.

Allele frequency attached by ClinVar (database versions not stated): gnomAD exomes below 0.00001; TOPMed below 0.00001; ExAC 0.00001; gnomAD 0.00001.
gnomAD v4.1: 1 of 1,613,928 alleles (0.000062%); highest among the groups gnomAD compares: African/African-American, 0.0013%; no homozygotes.

Submission:

Labcorp Genetics (formerly Invitae), Labcorp
Classification: Uncertain significance for RASopathy. Last evaluated: 2019-11-27. Review status: criteria provided, single submitter. Criteria: Invitae Variant Classification Sherloc (09022015). Collection method: clinical testing. Allele origin: germline.
Comment: In summary, the available evidence is currently insufficient to determine the role of this variant in disease. Therefore, it has been classified as a Variant of Uncertain Significance. Algorithms developed to predict the effect of missense changes on protein structure and function are either unavailable or do not agree on the potential impact of this missense change (SIFT: "Tolerated"; PolyPhen-2: "Possibly Damaging"; Align-GVGD: "Class C0"). This variant has not been reported in the literature in individuals with BRAF-related conditions. This variant is present in population databases (rs753354016, ExAC 0.01%). This sequence change replaces glutamic acid with lysine at codon 83 of the BRAF protein (p.Glu83Lys). The glutamic acid residue is highly conserved and there is a small physicochemical difference between glutamic acid and lysine.

NC_000007.14:g.140834866C>T

Gene: BRAF (B-Raf proto-oncogene, serine/threonine kinase; minus strand). Cytogenetic location: 7q34.
Variant type: single nucleotide variant.
Molecular consequence: missense variant (on NM_004333.6). On other transcripts: intron variant (1).
Genome position: GRCh38 VCF-style: chr7-140834866-C-T. GRCh37 (hg19) VCF-style: chr7-140534666-C-T.
Other names: c.247G>A, p.Glu83Lys (NM_001354609.2, NM_001374244.1, NM_001374258.1 and 6 more transcripts); c.145G>A, p.Glu49Lys (NM_001378470.1); c.91G>A, p.Glu31Lys (NM_001378472.1, NM_001378473.1); c.240+15245G>A (NM_001378475.1); short protein forms E49K, E83K, E31K.
Identifiers: ClinVar variation 841023 (VCV000841023.9), dbSNP rs753354016, ClinGen allele CA4516997.